The following is an entry in ClinVar:

NM_021728.4(OTX2):c.494T>A (p.Ile165Asn)

Gene: OTX2 (orthodenticle homeobox 2; minus strand). Cytogenetic location: 14q22.3.
Variant type: single nucleotide variant.
Coding change: c.494T>A on transcript NM_021728.4 (MANE Select); coding-DNA position 494, T replaced by A.
Protein change: p.Ile165Asn; replaces isoleucine 165 with asparagine.
Molecular consequence: missense variant. On other transcripts: non-coding transcript variant (2).
Genome position (GRCh38, 1-based): chr14:56,802,135, A>T on the plus strand (T>A on the coding strand, the complement: OTX2 is on the minus strand). VCF-style: chr14-56802135-A-T. GRCh37 (hg19) VCF-style: chr14-57268853-A-T.
Other names: c.470T>A, p.Ile157Asn (NM_001270523.2, NM_001270524.2, NM_172337.3); c.494T>A, p.Ile165Asn (NM_001270525.2); c.494T>A (NM_021728.2); short protein forms I157N, I165N.
Identifiers: ClinVar variation 1284548 (VCV001284548.4), dbSNP rs756087368, ClinGen allele CA7200465.

ClinVar aggregate classification (germline): Uncertain significance. Review status: criteria provided, single submitter (1 of 4 stars). 3 submissions from 3 submitters: Uncertain significance (1). 2 of the submissions do not count toward it. Last evaluated 2023-05-02.

Allele frequency attached by ClinVar (database versions not stated): gnomAD exomes below 0.00001; ExAC 0.00001.
gnomAD v4.1: 2 of 1,614,100 alleles (0.00012%); highest among the groups gnomAD compares: Non-Finnish European, 0.00017%; no homozygotes.

Submissions (3):

GeneDx
Classification: Uncertain significance. Last evaluated: 2023-05-02. Review status: criteria provided, single submitter. Criteria: GeneDx Variant Classification Process June 2021. Collection method: clinical testing. Allele origin: germline. Affected: yes.
Comment: Not observed at significant frequency in large population cohorts (gnomAD); In silico analysis supports that this missense variant has a deleterious effect on protein structure/function; Has not been previously published as pathogenic or benign to our knowledge

Clinical Genetics DNA and cytogenetics Diagnostics Lab, Erasmus MC, Erasmus Medical Center
Classification: Uncertain significance. Review status: no assertion criteria provided. Collection method: clinical testing. Allele origin: germline. Affected: yes. Study: VKGL Data-share Consensus. Not counted in ClinVar's aggregate classification.

Clinical Genetics, Academic Medical Center
Classification: Uncertain significance. Review status: no assertion criteria provided. Collection method: clinical testing. Allele origin: germline. Affected: yes. Study: VKGL Data-share Consensus. Not counted in ClinVar's aggregate classification.